The following is an entry in ClinVar:

NM_006765.4(TUSC3):c.*2100C>A

Gene: TUSC3 (tumor suppressor candidate 3; plus strand). Cytogenetic location: 8p22.
Variant type: single nucleotide variant.
Coding change: c.*2100C>A on transcript NM_006765.4 (MANE Select); 2100 bases downstream of the stop codon, C replaced by A.
Molecular consequence: 3 prime UTR variant.
Genome position (GRCh38, 1-based): chr8:15,766,256, C>A. VCF-style: chr8-15766256-C-A. GRCh37 (hg19) VCF-style: chr8-15623765-C-A.
Other names: c.*2038C>A (NM_178234.2).
Identifiers: ClinVar variation 362341 (VCV000362341.5), dbSNP rs77246198, ClinGen allele CA10627363.

ClinVar aggregate classification (germline): Likely benign (1 of 4 stars; one submission).

Conditions:
Congenital disorder of glycosylation (CDG). Also called: Carbohydrate-deficient glycoprotein syndrome; Congenital disorders of glycosylation. Identifiers: Orphanet 137, MedGen C0282577, MONDO:0015286.

Allele frequency attached by ClinVar (database versions not stated): TOPMed 0.00633; gnomAD 0.00634; 1000 Genomes Project 30x 0.00718; 1000 Genomes Project 0.00759.

Submission:

Illumina Laboratory Services, Illumina
Classification: Likely benign for Congenital disorder of glycosylation. Last evaluated: 2018-01-12. Review status: criteria provided, single submitter. Criteria: ICSL Variant Classification Criteria 13 December 2019. Collection method: clinical testing. Allele origin: germline.
Comment: This variant was observed in the ICSL laboratory as part of a predisposition screen in an ostensibly healthy population. It had not been previously curated by ICSL or reported in the Human Gene Mutation Database (HGMD: prior to June 1st, 2018), and was therefore a candidate for classification through an automated scoring system. Utilizing variant allele frequency, disease prevalence and penetrance estimates, and inheritance mode, an automated score was calculated to assess if this variant is too frequent to cause the disease. Based on the score and internal cut-off values, a variant classified as likely benign is not then subjected to further curation. The score for this variant resulted in a classification of likely benign for this disease.